The following is an entry in ClinVar:

NM_001031689.3(PLAA):c.298G>T (p.Asp100Tyr)

Gene: PLAA (phospholipase A2 activating protein; minus strand). Cytogenetic location: 9p21.2.
Variant type: single nucleotide variant.
Coding change: c.298G>T on transcript NM_001031689.3 (MANE Select); coding-DNA position 298, G replaced by T.
Protein change: p.Asp100Tyr; replaces aspartic acid 100 with tyrosine.
Molecular consequence: missense variant.
Genome position (GRCh38, 1-based): chr9:26,935,058, C>A on the plus strand (G>T on the coding strand, the complement: PLAA is on the minus strand). VCF-style: chr9-26935058-C-A. GRCh37 (hg19) VCF-style: chr9-26935056-C-A.
Other names: c.298G>T, p.Asp100Tyr (NM_001321546.2); short protein forms D100Y.
Identifiers: ClinVar variation 1551696 (VCV001551696.13), dbSNP rs201814139, ClinGen allele CA5014687.

ClinVar aggregate classification (germline): Conflicting classifications of pathogenicity. Review status: criteria provided, conflicting classifications (1 of 4 stars). 3 submissions from 3 submitters: Uncertain significance (1); Likely benign (1). 1 of the submissions does not count toward it. Last evaluated 2026-02-02.

Conditions:
PLAA-related disorder. Also called: PLAA-related condition.

Allele frequency attached by ClinVar (database versions not stated): gnomAD 0.00011; 1000 Genomes Project 30x 0.00031; 1000 Genomes Project 0.00020; TOPMed 0.00027.
gnomAD v4.1: 172 of 1,608,694 alleles (0.011%); highest among the groups gnomAD compares: Admixed American, 0.28%; no homozygotes.

Submissions (5):

Labcorp Genetics (formerly Invitae), Labcorp
Classification: Likely benign. Last evaluated: 2026-02-02. Review status: criteria provided, single submitter. Criteria: Invitae Variant Classification Sherloc (09022015). Collection method: clinical testing. Allele origin: germline.

GeneDx
Classification: Uncertain significance. Last evaluated: 2024-07-23. Review status: criteria provided, single submitter. Criteria: GeneDx Variant Classification Process June 2021. Collection method: clinical testing. Allele origin: germline.
Comment: In silico analysis supports that this missense variant has a deleterious effect on protein structure/function; Has not been previously published as pathogenic or benign to our knowledge

PreventionGenetics, part of Exact Sciences
Classification: Likely benign for PLAA-related condition. Last evaluated: 2023-01-30. Review status: no assertion criteria provided. Collection method: clinical testing. Allele origin: germline. Not counted in ClinVar's aggregate classification.
Comment: This variant is classified as likely benign based on ACMG/AMP sequence variant interpretation guidelines (Richards et al. 2015 PMID: 25741868, with internal and published modifications).

Dr. Peter K. Rogan Lab, Western University
No classification provided (evidence only). Condition: Clear cell carcinoma of kidney. Review status: no classification provided. Collection method: in vitro. Allele origin: not applicable. Functional consequence: skipped exon. Not counted in ClinVar's aggregate classification.

Dr. Peter K. Rogan Lab, Western University
No classification provided (evidence only). Condition: Thymoma. Review status: no classification provided. Collection method: in vitro. Allele origin: not applicable. Functional consequence: retained intron. Not counted in ClinVar's aggregate classification.